The following is an entry in ClinVar:

ClinVar aggregate classification (germline): Pathogenic. Review status: criteria provided, multiple submitters, no conflicts (2 of 4 stars). 4 submissions from 4 submitters: Pathogenic (4). Last evaluated 2026-09-08.

Conditions:
Fabry disease. Also called: ALPHA-GALACTOSIDASE A DEFICIENCY; Fabry's disease; Ceramide trihexosidosis; Angiokeratoma corporis diffusum; ANDERSON-FABRY DISEASE; CERAMIDE TRIHEXOSIDASE DEFICIENCY. Identifiers: Orphanet 324, MedGen C0002986, MONDO:0010526, OMIM 301500, HP:0001071. Disease mechanism: loss of function, Fabry disease is due to inactivating mutations in the X-linked GLA gene resulting in deficiency of the enzyme Alpha Galactosidase-A..

Submissions (5):

Genomenon, Inc
Classification: Pathogenic for Fabry disease. Last evaluated: 2026-09-08. Review status: criteria provided, single submitter. Criteria: Genomenon Sequence Variant Interpretation Standards - Updated. Collection method: curation. Allele origin: germline. Affected: yes.
Comment: GLA p.Cys172Gly (c.514T>G) is a missense variant that changes the amino acid at codon 172 from Cysteine to Glycine. This variant has been observed in at least one proband with clinical features consistent with Fabry disease (PMID:31649303;24626231). At least one functional study has demonstrated a substantial alteration in protein function relative to the wild-type (PMID:32023956;21598360;16773563;27657681). This variant is located in a mutational hotspot and/or important functional domain. It is absent or not present at a significant frequency in gnomAD. In silico models predict that this variant is possibly or probably damaging. In conclusion, we classify GLA p.Cys172Gly (c.514T>G) as a pathogenic variant.

Women's Health and Genetics/Laboratory Corporation of America, LabCorp
Classification: Pathogenic for Fabry disease. Last evaluated: 2026-03-17. Review status: criteria provided, single submitter. Criteria: LabCorp Variant Classification Summary - May 2015. Collection method: clinical testing. Allele origin: germline.
Comment: Variant summary: GLA c.514T>G (p.Cys172Gly) results in a non-conservative amino acid change in the encoded protein sequence. Algorithms developed to predict the effect of missense changes on protein structure and function all suggest that this variant is likely to be disruptive. The variant was absent in 183473 control chromosomes. c.514T>G has been observed in individual(s) affected with Fabry Disease (example: Yasuda_2003). Different variants affecting the same codon have been classified as pathogenic by our lab (c.515G>A, p.Cys172Tyr; c.514T>C, p.Cys172Arg), supporting the critical relevance of codon 172 to GLA protein function. At least one publication reports experimental evidence evaluating an impact on protein function. The most pronounced variant effect results in <10% of normal activity (Yasuda_2003, Wu_2011). The following publications have been ascertained in the context of this evaluation (PMID: 14635108, 21598360). ClinVar contains an entry for this variant (Variation ID: 3724323). Based on the evidence outlined above, the variant was classified as pathogenic.

Labcorp Genetics (formerly Invitae), Labcorp
Classification: Pathogenic for Fabry disease. Last evaluated: 2024-09-29. Review status: criteria provided, single submitter. Criteria: Invitae Variant Classification Sherloc (09022015). Collection method: clinical testing. Allele origin: germline.
Comment: This sequence change replaces cysteine, which is neutral and slightly polar, with glycine, which is neutral and non-polar, at codon 172 of the GLA protein (p.Cys172Gly). This variant is not present in population databases (gnomAD no frequency). This missense change has been observed in individuals with Fabry disease (PMID: 14635108, 15091117, 23935525). Invitae Evidence Modeling of protein sequence and biophysical properties (such as structural, functional, and spatial information, amino acid conservation, physicochemical variation, residue mobility, and thermodynamic stability) indicates that this missense variant is expected to disrupt GLA protein function with a positive predictive value of 80%. Experimental studies have shown that this missense change affects GLA function (PMID: 14635108, 23935525). This variant disrupts the p.Cys172 amino acid residue in GLA. Other variant(s) that disrupt this residue have been determined to be pathogenic (PMID: 10916280, 15091117, 28672034). This suggests that this residue is clinically significant, and that variants that disrupt this residue are likely to be disease-causing. For these reasons, this variant has been classified as Pathogenic.

Revvity Omics, Revvity
Classification: Pathogenic. Last evaluated: 2024-04-18. Review status: criteria provided, single submitter. Criteria: ACMG Guidelines, 2015. Collection method: clinical testing. Allele origin: germline.

Dr. Peter K. Rogan Lab, Western University
No classification provided (evidence only). Condition: Nonpapillary renal cell carcinoma. Review status: no classification provided. Collection method: in vitro. Allele origin: not applicable. Functional consequence: cryptic splice site. Not counted in ClinVar's aggregate classification.

Literature cited by the submitters: PubMed 31649303 (cited by Genomenon, Inc); PubMed 24626231 (cited by Genomenon, Inc); PubMed 32023956 (cited by Genomenon, Inc); PubMed 21598360 (cited by Genomenon, Inc and Women's Health and Genetics/Laboratory Corporation of America, LabCorp); PubMed 16773563 (cited by Genomenon, Inc); PubMed 27657681 (cited by Genomenon, Inc); PubMed 14635108 (cited by Women's Health and Genetics/Laboratory Corporation of America, LabCorp and Labcorp Genetics (formerly Invitae), Labcorp); PubMed 15091117 (cited by Labcorp Genetics (formerly Invitae), Labcorp); PubMed 23935525 (cited by Labcorp Genetics (formerly Invitae), Labcorp); PubMed 10916280 (cited by Labcorp Genetics (formerly Invitae), Labcorp); PubMed 28672034 (cited by Labcorp Genetics (formerly Invitae), Labcorp).

NM_000169.3(GLA):c.514T>G (p.Cys172Gly)

Genes: GLA (galactosidase alpha; minus strand), RPL36A-HNRNPH2 (RPL36A-HNRNPH2 readthrough; plus strand). Cytogenetic location: Xq22.1.
Variant type: single nucleotide variant.
Coding change: c.514T>G on transcript NM_000169.3 (MANE Select); coding-DNA position 514, T replaced by G.
Protein change: p.Cys172Gly; replaces cysteine 172 with glycine.
Molecular consequence: missense variant. On other transcripts: non-coding transcript variant (3), intron variant (2).
Genome position (GRCh38, 1-based): chrX:101,401,665, A>C on the plus strand (T>G on the coding strand, the complement: GLA is on the minus strand). VCF-style: chrX-101401665-A-C. GRCh37 (hg19) VCF-style: chrX-100656653-A-C.
Other names: c.637T>G, p.Cys213Gly (NM_001406747.1, NM_001406749.1); c.514T>G, p.Cys172Gly (NM_001406748.1); c.300+6208A>C (NM_001199973.2); c.177+9843A>C (NM_001199974.2); short protein forms C172G, C213G.
Identifiers: ClinVar variation 3724323 (VCV003724323.7).
Genomic context (GRCh38, chrX:101,401,665, plus strand): 5'-GGCTAAATCTCTGGAATGAAACATTACCATCTGCCAAATTTTCCAAACTGTCACAGTAAC[A>C]ACCATCAAATTTTAGCAGATCTACTCCCCAGTCAGCAAAGGTCTGGGCATCAATGTCGTA-3'
Protein context (NP_000160.1, residues 162-182): WGVDLLKFDG[Cys172Gly]YCDSLENLAD